The following is an entry in ClinVar:

ClinVar aggregate classification (germline): Uncertain significance (1 of 4 stars; one submission).

Conditions:
Neurofibromatosis, type 1 (NF1). Also called: VON RECKLINGHAUSEN DISEASE; Neurofibromatosis, type I; Peripheral type neurofibromatosis; NEUROFIBROMATOSIS, TYPE I, SOMATIC. Identifiers: Orphanet 636, MedGen C0027831, MONDO:0018975, OMIM 162200. Disease mechanism: loss of function.

Submission:

Labcorp Genetics (formerly Invitae), Labcorp
Classification: Uncertain significance for Neurofibromatosis, type 1. Last evaluated: 2023-03-30. Review status: criteria provided, single submitter. Criteria: Invitae Variant Classification Sherloc (09022015). Collection method: clinical testing. Allele origin: germline.
Comment: Advanced modeling of protein sequence and biophysical properties (such as structural, functional, and spatial information, amino acid conservation, physicochemical variation, residue mobility, and thermodynamic stability) performed at Invitae indicates that this missense variant is expected to disrupt NF1 protein function. In summary, the available evidence is currently insufficient to determine the role of this variant in disease. Therefore, it has been classified as a Variant of Uncertain Significance. This variant has not been reported in the literature in individuals affected with NF1-related conditions. This variant is not present in population databases (gnomAD no frequency). This sequence change replaces proline, which is neutral and non-polar, with arginine, which is basic and polar, at codon 1222 of the NF1 protein (p.Pro1222Arg).

NM_001042492.3(NF1):c.3665C>G (p.Pro1222Arg)

Gene: NF1 (neurofibromin 1; plus strand). Cytogenetic location: 17q11.2.
Variant type: single nucleotide variant.
Coding change: c.3665C>G on transcript NM_001042492.3 (MANE Select); coding-DNA position 3665, C replaced by G.
Protein change: p.Pro1222Arg; replaces proline 1222 with arginine.
Molecular consequence: missense variant.
Genome position (GRCh38, 1-based): chr17:31,233,170, C>G. VCF-style: chr17-31233170-C-G. GRCh37 (hg19) VCF-style: chr17-29560188-C-G.
Other names: c.3665C>G, p.Pro1222Arg (NM_000267.4); short protein forms P1222R.
Identifiers: ClinVar variation 2850866 (VCV002850866.3), dbSNP rs772745260, ClinGen allele CA398990546.